The following is an entry in ClinVar:

NM_000051.4(ATM):c.8036_8051del (p.Asn2679fs)

Genes: ATM (ATM serine/threonine kinase; plus strand), C11orf65 (chromosome 11 open reading frame 65; minus strand). Cytogenetic location: 11q22.3.
Variant type: Deletion.
Coding change: c.8036_8051del on transcript NM_000051.4 (MANE Select); coding-DNA positions 8036 to 8051, 16 bases deleted (ATCTGGTGACTATACA).
Protein change: p.Asn2679fs; shifts the reading frame from asparagine 2679.
Molecular consequence: frameshift variant. On other transcripts: intron variant (2).
Genome position (GRCh38, 1-based): chr11:108,334,994-108,335,009, ATCTGGTGACTATACA deleted; deleting any 16 consecutive bases within chr11:108,334,993-108,335,009 gives the same sequence; the c. name uses the placement nearest the transcript's 3' end. VCF-style (leftmost placement, unchanged base first): chr11-108334992-AAATCTGGTGACTATAC-A. GRCh37 (hg19) VCF-style: chr11-108205719-AAATCTGGTGACTATAC-A.
Other names: c.8036_8051del16, p.Asn2679Serfs (NM_000051.3); c.8036_8051del, p.Asn2679fs (NM_001351834.2); c.641-25937_641-25922del (NM_001330368.2); c.*38+212_*38+227del (NM_001351110.2); short protein forms N2679fs.
Identifiers: ClinVar variation 185795 (VCV000185795.23), dbSNP rs587780640, ClinGen allele CA192972.

ClinVar aggregate classification (germline): Pathogenic. Review status: criteria provided, multiple submitters, no conflicts (2 of 4 stars). 6 submissions from 6 submitters: Pathogenic (6). Last evaluated 2025-05-17.

Conditions:
Ataxia-telangiectasia syndrome (AT). Also called: ATAXIA-TELANGIECTASIA, COMPLEMENTATION GROUP A; ATAXIA-TELANGIECTASIA, FRESNO VARIANT; Ataxia-telangiectasia; Ataxia-telangiectasia, complementation group E; Cerebello-oculocutaneous telangiectasia; Immunodeficiency with ataxia telangiectasia. Identifiers: Orphanet 100, MedGen C0004135, MONDO:0008840, OMIM 208900.
Malignant tumor of breast. Also called: Malignant breast neoplasm; Cancer breast. Identifiers: MedGen C0006142, MONDO:0007254. Disease mechanism: loss of function.
Hereditary cancer-predisposing syndrome. Also called: Hereditary Cancer Syndrome; Tumor predisposition; Neoplastic Syndromes, Hereditary; Hereditary neoplastic syndrome. Identifiers: Orphanet 140162, MedGen C0027672, MeSH D009386, MONDO:0015356.
Familial cancer of breast. Also called: hereditary breast carcinoma; BREAST CANCER, FAMILIAL; Hereditary breast cancer. Identifiers: Orphanet 227535, MedGen C0346153, MONDO:0016419, OMIM 114480. Disease mechanism: loss of function.

Submissions (6):

Labcorp Genetics (formerly Invitae), Labcorp
Classification: Pathogenic for Ataxia-telangiectasia syndrome. Last evaluated: 2025-05-17. Review status: criteria provided, single submitter. Criteria: Invitae Variant Classification Sherloc (09022015). Collection method: clinical testing. Allele origin: germline.
Comment: This sequence change creates a premature translational stop signal (p.Asn2679Serfs*9) in the ATM gene. It is expected to result in an absent or disrupted protein product. Loss-of-function variants in ATM are known to be pathogenic (PMID: 23807571, 25614872). This variant is present in population databases (rs587780640, gnomAD 0.007%). This premature translational stop signal has been observed in individual(s) with hereditary breast and ovarian cancer (PMID: 26270727). ClinVar contains an entry for this variant (Variation ID: 185795). For these reasons, this variant has been classified as Pathogenic.

Color Diagnostics, LLC DBA Color Health
Classification: Pathogenic for Hereditary cancer-predisposing syndrome. Last evaluated: 2024-08-12. Review status: criteria provided, single submitter. Criteria: ACMG Guidelines, 2015. Collection method: clinical testing. Allele origin: germline.
Comment: This variant deletes 16 nucleotides in exon 55 of the ATM gene, creating a frameshift and premature translation stop signal. This variant is expected to result in an absent or non-functional protein product. This variant has been reported in an individual affected with early-onset breast cancer (PMID: 32008151). In a large international case-control meta-analysis, this variant was reported in 2/60466 breast cancer cases and absent in 53461 controls (PMID: 33471991). This variant has been identified in 1/31402 chromosomes in the general population by the Genome Aggregation Database (gnomAD). Loss of ATM function is a known mechanism of disease. Based on the available evidence, this variant is classified as Pathogenic.

Myriad Genetics, Inc.
Classification: Pathogenic for Familial cancer of breast. Last evaluated: 2024-02-01. Review status: criteria provided, single submitter. Criteria: Myriad Autosomal Dominant, Autosomal Recessive and X-Linked Classification Criteria (2023). Collection method: clinical testing. Allele origin: unknown.
Comment: This variant is considered pathogenic. This variant creates a frameshift predicted to result in premature protein truncation.

Ambry Genetics
Classification: Pathogenic for Hereditary cancer-predisposing syndrome. Last evaluated: 2024-01-17. Review status: criteria provided, single submitter. Criteria: Ambry Variant Classification Scheme 2023. Collection method: clinical testing. Allele origin: germline.
Comment: The c.8036_8051del16 pathogenic mutation, located in coding exon 54 of the ATM gene, results from a deletion of 16 nucleotides at nucleotide positions 8036 to 8051, causing a translational frameshift with a predicted alternate stop codon (p.N2679Sfs*9). This variant is considered to be rare based on population cohorts in the Genome Aggregation Database (gnomAD). This alteration is expected to result in loss of function by premature protein truncation or nonsense-mediated mRNA decay. As such, this alteration is interpreted as a disease-causing mutation.

GeneDx
Classification: Pathogenic. Last evaluated: 2023-10-12. Review status: criteria provided, single submitter. Criteria: GeneDx Variant Classification Process June 2021. Collection method: clinical testing. Allele origin: germline. Affected: yes.
Comment: Frameshift variant predicted to result in protein truncation or nonsense mediated decay in a gene for which loss of function is a known mechanism of disease; Truncating variants in this gene are considered pathogenic by a well-established clinical consortium and/or database; Not observed at significant frequency in large population cohorts (gnomAD); This variant is associated with the following publications: (PMID: 23807571, 25614872, 32008151, 26270727, Klein2023[article])

Baylor Genetics
Classification: Pathogenic for Familial cancer of breast. Last evaluated: 2023-07-22. Review status: criteria provided, single submitter. Criteria: ACMG Guidelines, 2015. Collection method: clinical testing. Allele origin: unknown.

Literature cited by the submitters: PubMed 23807571 (cited by Labcorp Genetics (formerly Invitae), Labcorp); PubMed 25614872 (cited by Labcorp Genetics (formerly Invitae), Labcorp); PubMed 26270727 (cited by Labcorp Genetics (formerly Invitae), Labcorp); PubMed 32008151 (cited by Color Diagnostics, LLC DBA Color Health and Ambry Genetics); PubMed 33471991 (cited by Color Diagnostics, LLC DBA Color Health).